The following is an entry in ClinVar:

ClinVar aggregate classification (germline): Conflicting classifications of pathogenicity. Review status: criteria provided, conflicting classifications (1 of 4 stars). 4 submissions from 4 submitters: Pathogenic (2); Likely pathogenic (1); Uncertain significance (1). Last evaluated 2026-08-15.

Conditions:
Nephronophthisis 15 (NPHP15). Identifiers: Orphanet 3156, MedGen C3541853, MONDO:0013917, OMIM 614845.
CEP164-related disorder. Also called: CEP164-related condition.

Allele frequency attached by ClinVar (database versions not stated): gnomAD exomes 0.00001 and 0.00004; ExAC 0.00002; gnomAD 0.00014 and 0.00016; TOPMed 0.00018; ESP Exome Variant Server 0.00031.
gnomAD v4.1: 34 of 1,613,836 alleles (0.0021%); highest among the groups gnomAD compares: African/African-American, 0.044%; no homozygotes.

Submissions (4):

GeneDx
Classification: Pathogenic. Last evaluated: 2026-08-15. Review status: criteria provided, single submitter. Criteria: GeneDx Variant Classification Process June 2021. Collection method: clinical testing. Allele origin: germline.
Comment: Nonsense variant predicted to result in protein truncation or nonsense mediated decay in a gene for which loss of function is a known mechanism of disease; This variant is associated with the following publications: (PMID: 31964843)

Labcorp Genetics (formerly Invitae), Labcorp
Classification: Pathogenic for Nephronophthisis 15. Last evaluated: 2026-01-28. Review status: criteria provided, single submitter. Criteria: Invitae Variant Classification Sherloc (09022015). Collection method: clinical testing. Allele origin: germline.
Comment: This sequence change creates a premature translational stop signal (p.Gln1247*) in the CEP164 gene. It is expected to result in an absent or disrupted protein product. Loss-of-function variants in CEP164 are known to be pathogenic (PMID: 22863007, 28125082, 32367404, 34132027, 34499853). This variant is present in population databases (rs140611214, gnomAD 0.06%). This variant has not been reported in the literature in individuals affected with CEP164-related conditions. ClinVar contains an entry for this variant (Variation ID: 862771). Algorithms developed to predict the effect of sequence changes on RNA splicing suggest that this variant may disrupt the consensus splice site. For these reasons, this variant has been classified as Pathogenic.

PreventionGenetics, part of Exact Sciences
Classification: Uncertain significance for CEP164-related condition. Last evaluated: 2026-01-15. Review status: criteria provided, single submitter. Criteria: ACMG Guidelines, 2015. Collection method: clinical testing. Allele origin: germline.
Comment: The CEP164 c.3739C>T variant is predicted to result in premature protein termination (p.Gln1247*). To our knowledge, this variant has not been reported in individuals with CEP164-related conditions in the literature. This variant is reported in 0.064% of alleles in individuals of African descent in gnomAD. In an alternate expressed transcript of this gene this variant is non-coding (NM_001271933:c.3733+15C>T). Although we suspect that this variant may be pathogenic, at this time, the clinical significance of this variant is uncertain due to the absence of conclusive functional and genetic evidence.

Fulgent Genetics
Classification: Likely pathogenic for Nephronophthisis 15. Last evaluated: 2023-12-27. Review status: criteria provided, single submitter. Criteria: ACMG Guidelines, 2015. Collection method: clinical testing. Allele origin: germline.

Literature cited by the submitters: PubMed 22863007 (cited by Labcorp Genetics (formerly Invitae), Labcorp); PubMed 28125082 (cited by Labcorp Genetics (formerly Invitae), Labcorp); PubMed 32367404 (cited by Labcorp Genetics (formerly Invitae), Labcorp); PubMed 34132027 (cited by Labcorp Genetics (formerly Invitae), Labcorp); PubMed 34499853 (cited by Labcorp Genetics (formerly Invitae), Labcorp).

NM_014956.5(CEP164):c.3739C>T (p.Gln1247Ter)

Gene: CEP164 (centrosomal protein 164; plus strand). Cytogenetic location: 11q23.3.
Variant type: single nucleotide variant.
Coding change: c.3739C>T on transcript NM_014956.5 (MANE Select); coding-DNA position 3739, C replaced by T.
Protein change: p.Gln1247Ter; replaces glutamine 1247 with a stop codon.
Molecular consequence: nonsense. On other transcripts: intron variant (1).
Genome position (GRCh38, 1-based): chr11:117,409,019, C>T. VCF-style: chr11-117409019-C-T. GRCh37 (hg19) VCF-style: chr11-117279735-C-T.
Other names: c.3733+15C>T (NM_001271933.2); short protein forms Q1247*.
Identifiers: ClinVar variation 862771 (VCV000862771.14), dbSNP rs140611214, ClinGen allele CA6295548.